The following is an entry in ClinVar:

ClinVar aggregate classification (germline): Pathogenic (1 of 4 stars; one submission).

Submission:

Labcorp Genetics (formerly Invitae), Labcorp
Classification: Pathogenic. Last evaluated: 2023-02-16. Review status: criteria provided, single submitter. Criteria: Invitae Variant Classification Sherloc (09022015). Collection method: clinical testing. Allele origin: germline.
Comment: This sequence change creates a premature translational stop signal (p.Trp1865*) in the LOXHD1 gene. It is expected to result in an absent or disrupted protein product. Loss-of-function variants in LOXHD1 are known to be pathogenic (PMID: 19732867, 21465660, 25792669). This variant is not present in population databases (gnomAD no frequency). This variant has not been reported in the literature in individuals affected with LOXHD1-related conditions. For these reasons, this variant has been classified as Pathogenic.

Literature cited by the submitters: PubMed 19732867; PubMed 21465660; PubMed 25792669.

NM_001384474.1(LOXHD1):c.5781G>A (p.Trp1927Ter)

Gene: LOXHD1 (lipoxygenase homology PLAT domains 1; minus strand). Cytogenetic location: 18q21.1.
Variant type: single nucleotide variant.
Coding change: c.5781G>A on transcript NM_001384474.1 (MANE Select); coding-DNA position 5781, G replaced by A.
Protein change: p.Trp1927Ter; replaces tryptophan 1927 with a stop codon.
Molecular consequence: nonsense.
Genome position (GRCh38, 1-based): chr18:46,505,935, C>T on the plus strand (G>A on the coding strand, the complement: LOXHD1 is on the minus strand). VCF-style: chr18-46505935-C-T. GRCh37 (hg19) VCF-style: chr18-44085898-C-T.
Other names: c.2448G>A, p.Trp816Ter (NM_001145472.3); c.498G>A, p.Trp166Ter (NM_001145473.3, NM_001173129.2); c.2160G>A, p.Trp720Ter (NM_001308013.2); c.5595G>A, p.Trp1865Ter (NM_144612.7); short protein forms W1865*, W1927*, W720*, W816*, W166*.
Identifiers: ClinVar variation 1966728 (VCV001966728.5), dbSNP rs1403920456, ClinGen allele CA402367725.
Genomic context (GRCh38, chr18:46,505,935, plus strand): 5'-GCCCAAGCTCAGCATGTCAGGGAAGTTGAATGTGTCCGTGTTGTTCCGCTCAAACTTGTT[C>T]CAGTTTGCCGACTGCTTCAGGGCCAGTGTCCCACTATCCCCGTTCTCCCCGAAGATGATG-3'